The following is an entry in ClinVar:

NM_002860.4(ALDH18A1):c.1517G>T (p.Gly506Val)

Gene: ALDH18A1 (aldehyde dehydrogenase 18 family member A1; minus strand). Cytogenetic location: 10q24.1.
Variant type: single nucleotide variant.
Coding change: c.1517G>T on transcript NM_002860.4 (MANE Select); coding-DNA position 1517, G replaced by T.
Protein change: p.Gly506Val; replaces glycine 506 with valine.
Molecular consequence: missense variant.
Genome position (GRCh38, 1-based): chr10:95,616,565, C>A on the plus strand (G>T on the coding strand, the complement: ALDH18A1 is on the minus strand). VCF-style: chr10-95616565-C-A. GRCh37 (hg19) VCF-style: chr10-97376322-C-A.
Other names: c.1412G>T, p.Gly471Val (NM_001323417.2); c.1178G>T, p.Gly393Val (NM_001323418.2); c.881G>T, p.Gly294Val (NM_001323419.2); c.1511G>T, p.Gly504Val (NM_001017423.2, NM_001323415.2); c.1184G>T, p.Gly395Val (NM_001323412.2, NM_001323416.2); c.1517G>T, p.Gly506Val (NM_001323413.2, NM_001323414.2); short protein forms G395V, G471V, G294V, G393V, G504V, G506V.
Identifiers: ClinVar variation 2939682 (VCV002939682.3), dbSNP rs1176179972, ClinGen allele CA377701110.
Genomic context (GRCh38, chr10:95,616,565, plus strand): 5'-ATTGAGAGAGCCTCCTGGGTCAGGAGGTGGAGAATCCGGTTGCTGTGTGCAGCCTCCTTC[C>A]CTCCTTTGAGTAACAAGCCATTGCCACTTGCGATAGCCAAAGCTGCCACCTGCAGATCAA-3'
Protein context (NP_002851.2, residues 496-516): ASGNGLLLKG[Gly506Val]KEAAHSNRIL

ClinVar aggregate classification (germline): Uncertain significance (1 of 4 stars; one submission).

Conditions:
Cutis laxa, autosomal dominant 3 (ADCL3). Identifiers: Orphanet 90348, MedGen C4225268, MONDO:0014706, OMIM 616603.
Autosomal dominant spastic paraplegia type 9. Identifiers: MedGen C1832669, MONDO:0015091.
de Barsy syndrome. Also called: Cutis laxa-corneal clouding-oligophrenia syndrome. Identifiers: Orphanet 2962, MedGen C0268354, MONDO:0017569.

Allele frequency attached by ClinVar (database versions not stated): TOPMed below 0.00001; gnomAD 0.00001.
gnomAD v4.1: 1 of 1,603,686 alleles (0.000062%); highest among the groups gnomAD compares: Non-Finnish European, 0.000085%; no homozygotes.

Submission:

Labcorp Genetics (formerly Invitae), Labcorp
Classification: Uncertain significance for Autosomal dominant spastic paraplegia type 9; de Barsy syndrome; Cutis laxa, autosomal dominant 3. Last evaluated: 2023-10-08. Review status: criteria provided, single submitter. Criteria: Invitae Variant Classification Sherloc (09022015). Collection method: clinical testing. Allele origin: germline.
Comment: This sequence change replaces glycine, which is neutral and non-polar, with valine, which is neutral and non-polar, at codon 506 of the ALDH18A1 protein (p.Gly506Val). This variant is not present in population databases (gnomAD no frequency). This variant has not been reported in the literature in individuals affected with ALDH18A1-related conditions. Advanced modeling of protein sequence and biophysical properties (such as structural, functional, and spatial information, amino acid conservation, physicochemical variation, residue mobility, and thermodynamic stability) performed at Invitae indicates that this missense variant is expected to disrupt ALDH18A1 protein function. In summary, the available evidence is currently insufficient to determine the role of this variant in disease. Therefore, it has been classified as a Variant of Uncertain Significance.